The following is an entry in ClinVar:

NM_000426.4(LAMA2):c.8429_8430del (p.His2810fs)

Gene: LAMA2 (laminin subunit alpha 2; plus strand). Cytogenetic location: 6q22.33.
Variant type: Deletion.
Coding change: c.8429_8430del on transcript NM_000426.4 (MANE Select); coding-DNA positions 8429 to 8430, 2 bases deleted (AT; older notation c.8429_8430delAT).
Protein change: p.His2810fs; shifts the reading frame from histidine 2810.
Molecular consequence: frameshift variant.
Genome position (GRCh38, 1-based): chr6:129,503,162-129,503,163, AT deleted. VCF-style (leftmost placement, unchanged base first): chr6-129503161-CAT-C. GRCh37 (hg19) VCF-style: chr6-129824306-CAT-C.
Other names: c.8417_8418del, p.His2806fs (NM_001079823.2); short protein forms H2806fs, H2810fs.
Identifiers: ClinVar variation 5016248 (VCV005016248.1).

ClinVar aggregate classification (germline): Pathogenic (1 of 4 stars; one submission).

Conditions:
LAMA2-related muscular dystrophy (LAMA2-RD). Also called: Laminin alpha 2-related dystrophy. Identifiers: MedGen C5679788, MONDO:0100228.

Submission:

Myriad Genetics, Inc.
Classification: Pathogenic for LAMA2-related muscular dystrophy. Last evaluated: 2026-08-18. Review status: criteria provided, single submitter. Criteria: Myriad Autosomal Dominant, Autosomal Recessive and X-Linked Classification Criteria (2023). Collection method: clinical testing. Allele origin: unknown.
Comment: NM_000426.3(LAMA2):c.8429_8430delAT(H2810Rfs*2) is expected to be pathogenic in the context of muscular dystrophy, LAMA2-related. This variant is predicted to lead to an abnormal or absent protein product due to the creation of a premature termination codon in LAMA2, a gene where loss-of-function variants are known to be pathogenic. Please note: this variant was assessed in the context of healthy population screening.